The following is an entry in ClinVar:

NM_000257.4(MYH7):c.2822G>C (p.Arg941Pro)

Gene: MYH7 (myosin heavy chain 7; minus strand). Cytogenetic location: 14q11.2.
Variant type: single nucleotide variant.
Coding change: c.2822G>C on transcript NM_000257.4 (MANE Select); coding-DNA position 2822, G replaced by C.
Protein change: p.Arg941Pro; replaces arginine 941 with proline.
Molecular consequence: missense variant.
Genome position (GRCh38, 1-based): chr14:23,424,007, C>G on the plus strand (G>C on the coding strand, the complement: MYH7 is on the minus strand). VCF-style: chr14-23424007-C-G. GRCh37 (hg19) VCF-style: chr14-23893216-C-G.
Other names: c.2822G>C (LRG_384t1); short protein forms R941P.
Identifiers: ClinVar variation 427118 (VCV000427118.5), dbSNP rs765458590, ClinGen allele CA389046933.
Genomic context (GRCh38, chr14:23,424,007, plus strand): 5'-AGTGTCAGCTCCAGATCATCGATGTCCCTTTTGAGCTCTGAGCACTCATCTTCCAGCTTG[C>G]GCTTCTTGGCAGTGAGCTCAGCATTCATCTCCTCCTCATCCTCCAGCCTCTCGTTCATCT-3'
Protein context (NP_000248.2, residues 931-951): EMNAELTAKK[Arg941Pro]KLEDECSELK

ClinVar aggregate classification (germline): Uncertain significance. Review status: criteria provided, multiple submitters, no conflicts (2 of 4 stars). 2 submissions from 2 submitters: Uncertain significance (2). Last evaluated 2025-11-27.

Conditions:
Hypertrophic cardiomyopathy. Also called: HYPERTROPHIC MYOCARDIOPATHY. Identifiers: Orphanet 217569, MedGen C0007194, MeSH D002312, MONDO:0005045, HP:0001639.

Submissions (2):

Labcorp Genetics (formerly Invitae), Labcorp
Classification: Uncertain significance for Hypertrophic cardiomyopathy. Last evaluated: 2025-11-27. Review status: criteria provided, single submitter. Criteria: Invitae Variant Classification Sherloc (09022015). Collection method: clinical testing. Allele origin: germline.
Comment: This sequence change replaces arginine, which is basic and polar, with proline, which is neutral and non-polar, at codon 941 of the MYH7 protein (p.Arg941Pro). This variant is not present in population databases (gnomAD no frequency). This variant has not been reported in the literature in individuals affected with MYH7-related conditions. ClinVar contains an entry for this variant (Variation ID: 427118). Invitae Evidence Modeling of protein sequence and biophysical properties (such as structural, functional, and spatial information, amino acid conservation, physicochemical variation, residue mobility, and thermodynamic stability) indicates that this missense variant is expected to disrupt MYH7 protein function with a positive predictive value of 95%. In summary, the available evidence is currently insufficient to determine the role of this variant in disease. Therefore, it has been classified as a Variant of Uncertain Significance.

GeneDx
Classification: Uncertain significance. Last evaluated: 2023-09-22. Review status: criteria provided, single submitter. Criteria: GeneDx Variant Classification Process June 2021. Collection method: clinical testing. Allele origin: germline. Affected: yes.
Comment: Not observed at significant frequency in large population cohorts (gnomAD); In silico analysis supports that this missense variant has a deleterious effect on protein structure/function; Reported in association with HCM; however, detailed clinical information was not provided (Banu et al., 2022); This variant is associated with the following publications: (PMID: Banu2022[CaseReport])